The following is an entry in ClinVar:

ClinVar aggregate classification (germline): Pathogenic (1 of 4 stars; one submission).

Conditions:
Hereditary diffuse gastric adenocarcinoma (HDGC). Also called: DIFFUSE GASTRIC AND LOBULAR BREAST CANCER SYNDROME. Identifiers: Orphanet 26106, MedGen C1708349, MONDO:0007648, OMIM 137215.

Submission:

Myriad Genetics, Inc.
Classification: Pathogenic for Hereditary diffuse gastric adenocarcinoma. Last evaluated: 2023-06-08. Review status: criteria provided, single submitter. Criteria: Myriad Autosomal Dominant, Autosomal Recessive and X-Linked Classification Criteria (2023). Collection method: clinical testing. Allele origin: unknown.
Comment: This variant is considered pathogenic. This variant creates a frameshift predicted to result in premature protein truncation.

NM_004360.5(CDH1):c.294delinsTT (p.Leu99fs)

Gene: CDH1 (cadherin 1; plus strand). Cytogenetic location: 16q22.1.
Variant type: Indel.
Coding change: c.294delinsTT on transcript NM_004360.5 (MANE Select); coding-DNA position 294, C replaced by TT.
Protein change: p.Leu99fs; shifts the reading frame from leucine 99.
Molecular consequence: frameshift variant. On other transcripts: 5 prime UTR variant (2).
Genome position (GRCh38, 1-based): chr16:68,801,800, C replaced by TT. VCF-style: chr16-68801800-C-TT. GRCh37 (hg19) VCF-style: chr16-68835703-C-TT.
Other names: c.294delinsTT, p.Leu99fs (NM_001317184.2); c.-1322delinsTT (NM_001317185.2); c.-1526delinsTT (NM_001317186.2); short protein forms L99fs.
Identifiers: ClinVar variation 2583616 (VCV002583616.2), dbSNP rs2543905306, ClinGen allele CA2582342554.
Genomic context (GRCh38, chr16:68,801,800, plus strand): 5'-CACAGATGGTGTGATTACAGTCAAAAGGCCTCTACGGTTTCATAACCCACAGATCCATTT[C>TT]TTGGTCTACGCCTGGGACTCCACCTACAGAAAGTTTTCCACCAAAGTCACGCTGAATACA-3'